The following is an entry in ClinVar:

NM_000138.5(FBN1):c.4685G>A (p.Cys1562Tyr)

Gene: FBN1 (fibrillin 1; minus strand). Cytogenetic location: 15q21.1.
Variant type: single nucleotide variant.
Coding change: c.4685G>A on transcript NM_000138.5 (MANE Select); coding-DNA position 4685, G replaced by A.
Protein change: p.Cys1562Tyr; replaces cysteine 1562 with tyrosine.
Molecular consequence: missense variant.
Genome position (GRCh38, 1-based): chr15:48,468,000, C>T on the plus strand (G>A on the coding strand, the complement: FBN1 is on the minus strand). VCF-style: chr15-48468000-C-T. GRCh37 (hg19) VCF-style: chr15-48760197-C-T.
Other names: c.4685G>A, p.Cys1562Tyr (NM_001406716.1); short protein forms C1562Y.
Identifiers: ClinVar variation 2578736 (VCV002578736.25), dbSNP rs2141272349, ClinGen allele CA392352975.

ClinVar aggregate classification (germline): Likely pathogenic (1 of 4 stars; one submission).

Submission:

CeGaT Center for Human Genetics Tuebingen
Classification: Likely pathogenic. Last evaluated: 2023-07-01. Review status: criteria provided, single submitter. Criteria: CeGaT Center For Human Genetics Tuebingen Variant Classification Criteria Version 2. Collection method: clinical testing. Allele origin: germline. Affected: yes. Observed: 1 variant allele.
Comment: FBN1: PM1, PM2, PM5, PP3